The following is an entry in ClinVar:

ClinVar aggregate classification (germline): Benign/Likely benign. Review status: criteria provided, multiple submitters, no conflicts (2 of 4 stars). 4 submissions from 4 submitters: Benign (2); Likely benign (2). Last evaluated 2026-01-27.

Conditions:
Hereditary diffuse leukoencephalopathy with spheroids. Also called: LEUKOENCEPHALOPATHY, ADULT-ONSET, WITH AXONAL SPHEROIDS AND PIGMENTED GLIA. Identifiers: Orphanet 313808, MedGen C3711381, MONDO:0030796.

Allele frequency attached by ClinVar (database versions not stated): gnomAD 0.00014 and 0.00020; TOPMed 0.00018; 1000 Genomes Project 0.00140; 1000 Genomes Project 30x 0.00172.

Submissions (4):

Labcorp Genetics (formerly Invitae), Labcorp
Classification: Benign. Last evaluated: 2026-01-27. Review status: criteria provided, single submitter. Criteria: Invitae Variant Classification Sherloc (09022015). Collection method: clinical testing. Allele origin: germline.

Blueprint Genetics
Classification: Likely benign. Last evaluated: 2024-08-07. Review status: criteria provided, single submitter. Criteria: ACMG Guidelines, 2015. Collection method: clinical testing. Allele origin: germline.

CeGaT Center for Human Genetics Tuebingen
Classification: Likely benign. Last evaluated: 2023-03-01. Review status: criteria provided, single submitter. Criteria: CeGaT Center For Human Genetics Tuebingen Variant Classification Criteria Version 2. Collection method: clinical testing. Allele origin: germline. Affected: yes. Observed: 1 variant allele.
Comment: CSF1R: BP4, BP7

Illumina Laboratory Services, Illumina
Classification: Benign for Leukoencephalopathy, diffuse hereditary, with spheroids 1. Last evaluated: 2018-01-13. Review status: criteria provided, single submitter. Criteria: ICSL Variant Classification Criteria 13 December 2019. Collection method: clinical testing. Allele origin: germline.
Comment: This variant was observed in the ICSL laboratory as part of a predisposition screen in an ostensibly healthy population. It had not been previously curated by ICSL or reported in the Human Gene Mutation Database (HGMD: prior to June 1st, 2018), and was therefore a candidate for classification through an automated scoring system. Utilizing variant allele frequency, disease prevalence and penetrance estimates, and inheritance mode, an automated score was calculated to assess if this variant is too frequent to cause the disease. Based on the score and internal cut-off values, a variant classified as benign is not then subjected to further curation. The score for this variant resulted in a classification of benign for this disease.

NM_001288705.3(CSF1R):c.1701G>A (p.Thr567=)

Gene: CSF1R (colony stimulating factor 1 receptor; minus strand). Cytogenetic location: 5q32.
Variant type: single nucleotide variant.
Coding change: c.1701G>A on transcript NM_001288705.3 (MANE Select); coding-DNA position 1701, G replaced by A.
Protein change: p.Thr567=; no amino-acid change (threonine 567 retained).
Molecular consequence: synonymous variant. On other transcripts: non-coding transcript variant (2).
Genome position (GRCh38, 1-based): chr5:150,061,775, C>T on the plus strand (G>A on the coding strand, the complement: CSF1R is on the minus strand). VCF-style: chr5-150061775-C-T. GRCh37 (hg19) VCF-style: chr5-149441338-C-T.
Other names: c.1701G>A, p.Thr567= (NM_001349736.2, NM_001375320.1, NM_005211.4); c.1257G>A, p.Thr419= (NM_001375321.1).
Identifiers: ClinVar variation 352145 (VCV000352145.40), dbSNP rs567201624, ClinGen allele CA3506734.